The following is an entry in ClinVar:

NM_031407.7(HUWE1):c.5213A>T (p.Glu1738Val)

Gene: HUWE1 (HECT, UBA and WWE domain containing E3 ubiquitin protein ligase 1; minus strand). Cytogenetic location: Xp11.22.
Variant type: single nucleotide variant.
Coding change: c.5213A>T on transcript NM_031407.7 (MANE Select); coding-DNA position 5213, A replaced by T.
Protein change: p.Glu1738Val; replaces glutamic acid 1738 with valine.
Molecular consequence: missense variant.
Genome position (GRCh38, 1-based): chrX:53,583,865, T>A on the plus strand (A>T on the coding strand, the complement: HUWE1 is on the minus strand). VCF-style: chrX-53583865-T-A. GRCh37 (hg19) VCF-style: chrX-53610825-T-A.
Other names: short protein forms E1738V.
Identifiers: ClinVar variation 1923476 (VCV001923476.5), dbSNP rs2063737746, ClinGen allele CA413174333.

ClinVar aggregate classification (germline): Uncertain significance (1 of 4 stars; one submission).

Allele frequency attached by ClinVar (database versions not stated): gnomAD exomes below 0.00001.
gnomAD v4.1: 3 of 1,208,778 alleles (0.00025%); highest among the groups gnomAD compares: Admixed American, 0.0044%; no homozygotes.

Submission:

Labcorp Genetics (formerly Invitae), Labcorp
Classification: Uncertain significance. Last evaluated: 2025-10-01. Review status: criteria provided, single submitter. Criteria: Invitae Variant Classification Sherloc (09022015). Collection method: clinical testing. Allele origin: germline.
Comment: This sequence change replaces glutamic acid, which is acidic and polar, with valine, which is neutral and non-polar, at codon 1738 of the HUWE1 protein (p.Glu1738Val). This variant is not present in population databases (gnomAD no frequency). This variant has not been reported in the literature in individuals affected with HUWE1-related conditions. ClinVar contains an entry for this variant (Variation ID: 1923476). Invitae Evidence Modeling of protein sequence and biophysical properties (such as structural, functional, and spatial information, amino acid conservation, physicochemical variation, residue mobility, and thermodynamic stability) has been performed for this missense variant. However, the output from this modeling did not meet the statistical confidence thresholds required to predict the impact of this variant on HUWE1 protein function. In summary, the available evidence is currently insufficient to determine the role of this variant in disease. Therefore, it has been classified as a Variant of Uncertain Significance.